The following is an entry in ClinVar:

ClinVar aggregate classification (germline): Uncertain significance (1 of 4 stars; one submission).

Submission:

Laboratory for Molecular Medicine, Mass General Brigham Personalized Medicine
Classification: Uncertain significance. Last evaluated: 2016-12-13. Review status: criteria provided, single submitter. Criteria: LMM Criteria. Collection method: clinical testing. Allele origin: germline. Observed: 1 variant allele.
Comment: The p.Trp1975Cys variant in MYO15A has not been previously reported in individua ls with hearing loss or in large population studies. Computational prediction to ols and conservation analysis suggest that the p.Trp1975Cys variant may not impa ct the protein, though this information is not predictive enough to rule out pat hogenicity. In summary, the clinical significance of the p.Trp1975Cys variant is uncertain.

NM_016239.4(MYO15A):c.5925G>T (p.Trp1975Cys)

Gene: MYO15A (myosin XVA; plus strand). Cytogenetic location: 17p11.2.
Variant type: single nucleotide variant.
Coding change: c.5925G>T on transcript NM_016239.4 (MANE Select); coding-DNA position 5925, G replaced by T.
Protein change: p.Trp1975Cys; replaces tryptophan 1975 with cysteine.
Molecular consequence: missense variant.
Genome position (GRCh38, 1-based): chr17:18,143,580, G>T. VCF-style: chr17-18143580-G-T. GRCh37 (hg19) VCF-style: chr17-18046894-G-T.
Other names: short protein forms W1975C.
Identifiers: ClinVar variation 517159 (VCV000517159.4), dbSNP rs375290498, ClinGen allele CA8424446.